The following is an entry in ClinVar:

ClinVar aggregate classification (germline): Uncertain significance (1 of 4 stars; one submission).

Allele frequency attached by ClinVar (database versions not stated): gnomAD 0.00001 and 0.00002; TOPMed 0.00003; 1000 Genomes Project 30x 0.00016; 1000 Genomes Project 0.00020.
gnomAD v4.1: 18 of 1,550,614 alleles (0.0012%); highest among the groups gnomAD compares: East Asian, 0.044%; no homozygotes.

Submission:

Labcorp Genetics (formerly Invitae), Labcorp
Classification: Uncertain significance. Last evaluated: 2022-07-12. Review status: criteria provided, single submitter. Criteria: Invitae Variant Classification Sherloc (09022015). Collection method: clinical testing. Allele origin: germline.
Comment: This sequence change replaces glycine, which is neutral and non-polar, with aspartic acid, which is acidic and polar, at codon 510 of the PDZD7 protein (p.Gly510Asp). This variant is present in population databases (rs564604670, gnomAD 0.04%). This variant has not been reported in the literature in individuals affected with PDZD7-related conditions. ClinVar contains an entry for this variant (Variation ID: 955948). Algorithms developed to predict the effect of missense changes on protein structure and function are either unavailable or do not agree on the potential impact of this missense change (SIFT: "Deleterious"; PolyPhen-2: "Not Available"; Align-GVGD: "Class C0"). In summary, the available evidence is currently insufficient to determine the role of this variant in disease. Therefore, it has been classified as a Variant of Uncertain Significance.

NM_001195263.2(PDZD7):c.1529G>A (p.Gly510Asp)

Gene: PDZD7 (PDZ domain containing 7; minus strand). Cytogenetic location: 10q24.31.
Variant type: single nucleotide variant.
Coding change: c.1529G>A on transcript NM_001195263.2 (MANE Select); coding-DNA position 1529, G replaced by A.
Protein change: p.Gly510Asp; replaces glycine 510 with aspartic acid.
Molecular consequence: missense variant.
Genome position (GRCh38, 1-based): chr10:101,016,421, C>T on the plus strand (G>A on the coding strand, the complement: PDZD7 is on the minus strand). VCF-style: chr10-101016421-C-T. GRCh37 (hg19) VCF-style: chr10-102776178-C-T.
Other names: short protein forms G510D.
Identifiers: ClinVar variation 955948 (VCV000955948.7), dbSNP rs564604670, ClinGen allele CA212982318.